The following is an entry in ClinVar:

ClinVar aggregate classification (germline): Pathogenic/Likely pathogenic. Review status: criteria provided, multiple submitters, no conflicts (2 of 4 stars). 5 submissions from 5 submitters: Pathogenic (4); Likely pathogenic (1). Last evaluated 2025-09-15.

Conditions:
RDH12-related disorder. Also called: RDH12-related condition; RDH12-related disorders.
Leber congenital amaurosis (LCA). Also called: Leber's amaurosis. Identifiers: Orphanet 65, MedGen C0339527, MeSH D057130, MONDO:0018998.
Leber congenital amaurosis 13 (LCA13). Identifiers: MedGen C2675186, MONDO:0012990, OMIM 612712.

Allele frequency attached by ClinVar (database versions not stated): gnomAD exomes below 0.00001 and 0.00003; gnomAD 0.00001; ExAC 0.00002; TOPMed 0.00002; 1000 Genomes Project 0.00040.

Submissions (5):

Labcorp Genetics (formerly Invitae), Labcorp
Classification: Pathogenic for Leber congenital amaurosis 13. Last evaluated: 2025-09-15. Review status: criteria provided, single submitter. Criteria: Invitae Variant Classification Sherloc (09022015). Collection method: clinical testing. Allele origin: germline.
Comment: This sequence change creates a premature translational stop signal (p.Arg71Glnfs*12) in the RDH12 gene. It is expected to result in an absent or disrupted protein product. Loss-of-function variants in RDH12 are known to be pathogenic (PMID: 17964524, 22065924, 32014858, 34001834). This variant is present in population databases (rs551914133, gnomAD 0.02%). This premature translational stop signal has been observed in individual(s) with retinitis pigmentosa (PMID: 30902645). ClinVar contains an entry for this variant (Variation ID: 197878). For these reasons, this variant has been classified as Pathogenic.

Natera, Inc.
Classification: Pathogenic for Leber congenital amaurosis. Last evaluated: 2025-02-14. Review status: criteria provided, single submitter. Criteria: Natera Variant Classification Schema (03/2026). Collection method: clinical testing. Allele origin: germline.
Comment: The c.210dupC variant in RDH12 is a frameshift variant predicted to shift the reading frame beginning at codon 71 and leads to a stop codon 12 codons downstream. This variant is expected to result in nonsense mediated decay, truncation, or a dysfunctional protein product. This variant is rare in the general population with a frequency below the threshold expected for the associated phenotype(s). This variant has been observed in one or more individuals affected with the associated recessive disease, as either homozygous or compound heterozygous with a second variant (PMID: 26806561). Given the available evidence, this variant is classified as Pathogenic.

3billion
Classification: Pathogenic for Leber congenital amaurosis 13. Last evaluated: 2024-01-23. Review status: criteria provided, single submitter. Criteria: ACMG Guidelines, 2015. Collection method: clinical testing. Allele origin: germline. Affected: yes.
Comment: The variant is observed at an extremely low frequency in the gnomAD v2.1.1 dataset (total allele frequency: 0.003%). Predicted Consequence/Location: Frameshift: predicted to result in a loss or disruption of normal protein function through nonsense-mediated decay (NMD) or protein truncation. Multiple pathogenic variants are reported downstream of the variant. The variant has been reported at least twice as pathogenic with clinical assertions and evidence for the classification (ClinVar ID: VCV000197878 /PMID: 30902645 /3billion dataset). Therefore, this variant is classified as Pathogenic according to the recommendation of ACMG/AMP guideline.

Blueprint Genetics
Classification: Likely pathogenic for RDH12-related disorders. Last evaluated: 2018-05-29. Review status: criteria provided, single submitter. Criteria: ACMG Guidelines, 2015. Collection method: clinical testing. Allele origin: germline. Affected: yes. Observed: 1 variant allele.

Eurofins Ntd Llc (ga)
Classification: Pathogenic. Last evaluated: 2014-10-20. Review status: criteria provided, single submitter. Criteria: EGL Classification Definitions. Collection method: clinical testing. Allele origin: germline. Observed: 1 variant allele, 1 heterozygote.

Literature cited by the submitters: PubMed 17964524 (cited by Labcorp Genetics (formerly Invitae), Labcorp); PubMed 22065924 (cited by Labcorp Genetics (formerly Invitae), Labcorp); PubMed 32014858 (cited by Labcorp Genetics (formerly Invitae), Labcorp); PubMed 34001834 (cited by Labcorp Genetics (formerly Invitae), Labcorp); PubMed 30902645 (cited by Labcorp Genetics (formerly Invitae), Labcorp and 3billion); PubMed 26806561 (cited by Natera, Inc.).

NM_152443.3(RDH12):c.210dup (p.Arg71fs)

Genes: GPHN (gephyrin; plus strand), RDH12 (retinol dehydrogenase 12; plus strand). Cytogenetic location: 14q24.1.
Variant type: Duplication.
Coding change: c.210dup on transcript NM_152443.3 (MANE Select); coding-DNA position 210, one base duplicated (C; older notation c.210dupC).
Protein change: p.Arg71fs; shifts the reading frame from arginine 71.
Molecular consequence: frameshift variant.
Genome position (GRCh38, 1-based): chr14:67,725,121, C duplicated. VCF-style (leftmost placement, unchanged base first): chr14-67725120-G-GC. GRCh37 (hg19) VCF-style: chr14-68191837-G-GC.
Other names: c.210dupC (NM_152443.2); short protein forms R71fs.
Identifiers: ClinVar variation 197878 (VCV000197878.22), dbSNP rs797044761, ClinGen allele CA246264.